The following is an entry in ClinVar:

NM_176787.5(PIGN):c.2470C>G (p.Pro824Ala)

Gene: PIGN (phosphatidylinositol glycan anchor biosynthesis class N; minus strand). Cytogenetic location: 18q21.33.
Variant type: single nucleotide variant.
Coding change: c.2470C>G on transcript NM_176787.5 (MANE Select); coding-DNA position 2470, C replaced by G.
Protein change: p.Pro824Ala; replaces proline 824 with alanine.
Molecular consequence: missense variant.
Genome position (GRCh38, 1-based): chr18:62,084,563, G>C on the plus strand (C>G on the coding strand, the complement: PIGN is on the minus strand). VCF-style: chr18-62084563-G-C. GRCh37 (hg19) VCF-style: chr18-59751796-G-C.
Other names: c.2470C>G, p.Pro824Ala (NM_012327.6); short protein forms P824A.
Identifiers: ClinVar variation 1937789 (VCV001937789.2), dbSNP rs1257002665, ClinGen allele CA402601292.

ClinVar aggregate classification (germline): Uncertain significance (1 of 4 stars; one submission).

Conditions:
Multiple congenital anomalies-hypotonia-seizures syndrome 1 (MCAHS1). Also called: GLYCOSYLPHOSPHATIDYLINOSITOL BIOSYNTHESIS DEFECT 3; PIGN-CDG; Congenital disorder of glycosylation due to PIGN deficiency. Identifiers: Orphanet 280633, MedGen C3279775, MONDO:0013563, OMIM 614080.

Allele frequency attached by ClinVar (database versions not stated): gnomAD exomes below 0.00001.
gnomAD v4.1: 1 of 1,559,668 alleles (0.000064%); highest among the groups gnomAD compares: East Asian, 0.0024%; no homozygotes.

Submission:

Labcorp Genetics (formerly Invitae), Labcorp
Classification: Uncertain significance for Multiple congenital anomalies-hypotonia-seizures syndrome 1. Last evaluated: 2022-08-12. Review status: criteria provided, single submitter. Criteria: Invitae Variant Classification Sherloc (09022015). Collection method: clinical testing. Allele origin: germline.
Comment: This sequence change replaces proline, which is neutral and non-polar, with alanine, which is neutral and non-polar, at codon 824 of the PIGN protein (p.Pro824Ala). The frequency data for this variant in the population databases is considered unreliable, as metrics indicate poor data quality at this position in the gnomAD database. This variant has not been reported in the literature in individuals affected with PIGN-related conditions. Algorithms developed to predict the effect of missense changes on protein structure and function are either unavailable or do not agree on the potential impact of this missense change (SIFT: "Not Available"; PolyPhen-2: "Probably Damaging"; Align-GVGD: "Not Available"). In summary, the available evidence is currently insufficient to determine the role of this variant in disease. Therefore, it has been classified as a Variant of Uncertain Significance.